The following is an entry in ClinVar:

ClinVar aggregate classification (germline): Conflicting classifications of pathogenicity. Review status: criteria provided, conflicting classifications (1 of 4 stars). 6 submissions from 6 submitters: Uncertain significance (5); Likely benign (1). Last evaluated 2024-07-21.

Conditions:
Hereditary cancer-predisposing syndrome. Also called: Tumor predisposition; Hereditary Cancer Syndrome; Hereditary neoplastic syndrome; Neoplastic Syndromes, Hereditary. Identifiers: Orphanet 140162, MedGen C0027672, MeSH D009386, MONDO:0015356.
Hereditary breast ovarian cancer syndrome. Also called: Breast and ovarian cancer; Hereditary breast and/or ovarian cancer syndrome; BRCA1- and BRCA2-Associated Hereditary Breast and Ovarian Cancer; Hereditary breast and ovarian cancer syndrome; Hereditary breast and ovarian cancer syndrome (HBOC); Hereditary breast and ovarian cancer. Identifiers: Orphanet 145, MedGen C0677776, MeSH D061325, MONDO:0003582. Disease mechanism: loss of function.
Breast-ovarian cancer, familial, susceptibility to, 1 (BROVCA1). Also called: BRCA1 Hereditary Breast and Ovarian Cancer; OVARIAN CANCER, SUSCEPTIBILITY TO. Identifiers: Orphanet 145, MedGen C2676676, MONDO:0011450, OMIM 604370. Disease mechanism: loss of function.

Allele frequency attached by ClinVar (database versions not stated): TOPMed below 0.00001.

Submissions (6):

Labcorp Genetics (formerly Invitae), Labcorp
Classification: Uncertain significance for Hereditary breast ovarian cancer syndrome. Last evaluated: 2024-07-21. Review status: criteria provided, single submitter. Criteria: Invitae Variant Classification Sherloc (09022015). Collection method: clinical testing. Allele origin: germline.
Comment: This sequence change replaces asparagine, which is neutral and polar, with lysine, which is basic and polar, at codon 567 of the BRCA1 protein (p.Asn567Lys). This variant is not present in population databases (gnomAD no frequency). This variant has not been reported in the literature in individuals affected with BRCA1-related conditions. ClinVar contains an entry for this variant (Variation ID: 531411). Advanced modeling of protein sequence and biophysical properties (such as structural, functional, and spatial information, amino acid conservation, physicochemical variation, residue mobility, and thermodynamic stability) performed at Invitae indicates that this missense variant is not expected to disrupt BRCA1 protein function with a negative predictive value of 95%. In summary, the available evidence is currently insufficient to determine the role of this variant in disease. Therefore, it has been classified as a Variant of Uncertain Significance.

All of Us Research Program, National Institutes of Health
Classification: Uncertain significance for Breast-ovarian cancer, familial, susceptibility to, 1. Last evaluated: 2023-08-15. Review status: criteria provided, single submitter. Criteria: ACMG Guidelines, 2015. Collection method: clinical testing. Allele origin: germline. Inheritance: Autosomal dominant inheritance. Observed: 1 variant allele, 1 heterozygote.
Comment: This missense variant replaces asparagine with lysine at codon 567 of the BRCA1 protein. Computational prediction suggests that this variant may not impact protein structure and function (internally defined REVEL score threshold <= 0.5, PMID: 27666373). To our knowledge, functional studies have not been reported for this variant. This variant has not been reported in individuals affected with BRCA1-related disorders in the literature. This variant has not been identified in the general population by the Genome Aggregation Database (gnomAD). The available evidence is insufficient to determine the role of this variant in disease conclusively. Therefore, this variant is classified as a Variant of Uncertain Significance.

This study involves interpretation of variants in research participants for the purpose of population health screening. Participant phenotype was not available at the time of variant classification. Additional details can be found in publication PMID: 35346344, PMCID: PMC8962531

GeneDx
Classification: Uncertain significance. Last evaluated: 2023-07-20. Review status: criteria provided, single submitter. Criteria: GeneDx Variant Classification Process June 2021. Collection method: clinical testing. Allele origin: germline. Affected: yes.
Comment: Not observed at significant frequency in large population cohorts (gnomAD); In silico analysis supports that this missense variant has a deleterious effect on protein structure/function; Has not been previously published as pathogenic or benign to our knowledge; Also known as 1820T>G; This variant is associated with the following publications: (PMID: 31911673, 15343273)

University of Washington Department of Laboratory Medicine, University of Washington
Classification: Likely benign for Hereditary cancer-predisposing syndrome. Last evaluated: 2023-03-23. Review status: criteria provided, single submitter. Criteria: Dines et al. (Genet Med. 2020). Collection method: curation. Allele origin: germline.
Comment: Missense variant in a coldspot region where missense variants are very unlikely to be pathogenic (PMID:31911673).

BRCA1 coldspot (exon 11 using historical exon numbering). Reclassification based on statistical prior probability

Women's Health and Genetics/Laboratory Corporation of America, LabCorp
Classification: Uncertain significance. Last evaluated: 2022-12-31. Review status: criteria provided, single submitter. Criteria: LabCorp Variant Classification Summary - May 2015. Collection method: clinical testing. Allele origin: germline.

Ambry Genetics
Classification: Uncertain significance for Hereditary cancer-predisposing syndrome. Last evaluated: 2020-03-17. Review status: criteria provided, single submitter. Criteria: Ambry Variant Classification Scheme 2023. Collection method: clinical testing. Allele origin: germline.

NM_007294.4(BRCA1):c.1701T>G (p.Asn567Lys)

Gene: BRCA1 (BRCA1 DNA repair associated; minus strand). Cytogenetic location: 17q21.31.
Variant type: single nucleotide variant.
Coding change: c.1701T>G on transcript NM_007294.4 (MANE Select); coding-DNA position 1701, T replaced by G.
Protein change: p.Asn567Lys; replaces asparagine 567 with lysine.
Molecular consequence: missense variant. On other transcripts: intron variant (137).
Genome position (GRCh38, 1-based): chr17:43,093,830, A>C on the plus strand (T>G on the coding strand, the complement: BRCA1 is on the minus strand). VCF-style: chr17-43093830-A-C. GRCh37 (hg19) VCF-style: chr17-41245847-A-C.
Other names: c.1701T>G, p.Asn567Lys (NM_001407582.1, NM_001407583.1, NM_001407585.1 and 30 more transcripts); c.1698T>G, p.Asn566Lys (NM_001407587.1, NM_001407590.1, NM_001407591.1 and 22 more transcripts); c.1692T>G, p.Asn564Lys (NM_001407646.1, NM_001407647.1); c.1578T>G, p.Asn526Lys (NM_001407648.1, NM_001407664.1, NM_001407665.1 and 19 more transcripts); c.1575T>G, p.Asn525Lys (NM_001407649.1, NM_001407670.1, NM_001407685.1 and 11 more transcripts); c.1620T>G, p.Asn540Lys (NM_001407662.1, NM_001407659.1, NM_001407660.1 and 1 more transcripts); c.1623T>G, p.Asn541Lys (NM_001407663.1, NM_001407653.1, NM_001407654.1 and 4 more transcripts); c.1560T>G, p.Asn520Lys (NM_001407726.1, NM_001407727.1, NM_001407728.1 and 29 more transcripts); and 40 more; short protein forms N567K, N520K, N440K, N478K, N479K, N566K, N271K, N399K.
Identifiers: ClinVar variation 531411 (VCV000531411.16), dbSNP rs1555591359, ClinGen allele CA10598622.
Genomic context (GRCh38, chr17:43,093,830, plus strand): 5'-TATAGGTTCAGCTTTCGTTTTGAAAGCAGATTCTTTTTCGAGTGATTCTATTGGGTTAGG[A>C]TTTTTCTCATTCTGAATAGAATCACCTTTTGTTTTATTCTCATGACCACTATTAGTAATA-3'
Protein context (NP_009225.1, residues 557-577): TKGDSIQNEK[Asn567Lys]PNPIESLEKE